The following is an entry in ClinVar:

ClinVar aggregate classification (germline): Uncertain significance. Review status: criteria provided, multiple submitters, no conflicts (2 of 4 stars). 2 submissions from 2 submitters: Uncertain significance (2). Last evaluated 2022-08-23.

Allele frequency attached by ClinVar (database versions not stated): ExAC 0.00002; gnomAD exomes 0.00003 and 0.00007; gnomAD 0.00006 and 0.00007; ESP Exome Variant Server 0.00008; TOPMed 0.00009; 1000 Genomes Project 0.00020.
gnomAD v4.1: 119 of 1,614,066 alleles (0.0074%); highest among the groups gnomAD compares: Admixed American, 0.015%; no homozygotes.

Submissions (2):

Labcorp Genetics (formerly Invitae), Labcorp
Classification: Uncertain significance. Last evaluated: 2022-08-23. Review status: criteria provided, single submitter. Criteria: Invitae Variant Classification Sherloc (09022015). Collection method: clinical testing. Allele origin: germline.
Comment: This sequence change replaces arginine, which is basic and polar, with cysteine, which is neutral and slightly polar, at codon 156 of the C10orf11 protein (p.Arg156Cys). This variant is present in population databases (rs369831117, gnomAD 0.02%). This variant has not been reported in the literature in individuals affected with C10orf11-related conditions. ClinVar contains an entry for this variant (Variation ID: 1681435). Algorithms developed to predict the effect of missense changes on protein structure and function output the following: SIFT: "Tolerated"; PolyPhen-2: "Benign"; Align-GVGD: "Class C0". The cysteine amino acid residue is found in multiple mammalian species, which suggests that this missense change does not adversely affect protein function. In summary, the available evidence is currently insufficient to determine the role of this variant in disease. Therefore, it has been classified as a Variant of Uncertain Significance.

GeneDx
Classification: Uncertain significance. Last evaluated: 2022-04-29. Review status: criteria provided, single submitter. Criteria: GeneDx Variant Classification Process June 2021. Collection method: clinical testing. Allele origin: germline. Affected: yes.
Comment: In silico analysis supports that this missense variant does not alter protein structure/function; Has not been previously published as pathogenic or benign to our knowledge

NM_001305581.2(LRMDA):c.550C>T (p.Arg184Cys)

Gene: LRMDA (leucine rich melanocyte differentiation associated; plus strand). Cytogenetic location: 10q22.3.
Variant type: single nucleotide variant.
Coding change: c.550C>T on transcript NM_001305581.2 (MANE Select); coding-DNA position 550, C replaced by T.
Protein change: p.Arg184Cys; replaces arginine 184 with cysteine.
Molecular consequence: missense variant. On other transcripts: non-coding transcript variant (1).
Genome position (GRCh38, 1-based): chr10:76,324,434, C>T. VCF-style: chr10-76324434-C-T. GRCh37 (hg19) VCF-style: chr10-78084192-C-T.
Other names: c.466C>T, p.Arg156Cys (NM_032024.5); short protein forms R156C, R184C.
Identifiers: ClinVar variation 1681435 (VCV001681435.5), dbSNP rs369831117, ClinGen allele CA5567666.
Genomic context (GRCh38, chr10:76,324,434, plus strand): 5'-CATGTTGACTTTGCTTTTGTCACACAGGCTTCTAGTGAGGACGTTGCCAGCTCCCCGGAG[C>T]GCCACTACACGCCCTTGCCTTCTGCTTCCAGGGAACTCACCAGTCACCAAGGTTGGAACT-3'
Protein context (NP_001292510.1, residues 174-194): SSEDVASSPE[Arg184Cys]HYTPLPSASR